The following is an entry in ClinVar:

NM_006096.4(NDRG1):c.306C>T (p.Gly102=)

Gene: NDRG1 (N-myc downstream regulated 1; minus strand). Cytogenetic location: 8q24.22.
Variant type: single nucleotide variant.
Coding change: c.306C>T on transcript NM_006096.4 (MANE Select); coding-DNA position 306, C replaced by T.
Protein change: p.Gly102=; no amino-acid change (glycine 102 retained).
Molecular consequence: synonymous variant.
Genome position (GRCh38, 1-based): chr8:133,262,067, G>A on the plus strand (C>T on the coding strand, the complement: NDRG1 is on the minus strand). VCF-style: chr8-133262067-G-A. GRCh37 (hg19) VCF-style: chr8-134274310-G-A.
Other names: p.Gly102=; c.306C>T, p.Gly102= (NM_001135242.2, NM_001374844.1, NM_001374845.1 and 1 more transcripts); c.108C>T, p.Gly36= (NM_001258432.2, NM_001374847.1); c.63C>T, p.Gly21= (NM_001258433.2).
Identifiers: ClinVar variation 362039 (VCV000362039.29), dbSNP rs2233322, ClinGen allele CA4886828.

ClinVar aggregate classification (germline): Benign/Likely benign. Review status: criteria provided, multiple submitters, no conflicts (2 of 4 stars). 9 submissions from 9 submitters: Benign (6); Likely benign (2). 1 of the submissions does not count toward it. Last evaluated 2026-02-01.

Conditions:
Charcot-Marie-Tooth disease. Also called: Charcot-Marie-Tooth Neuropathy; Charcot-Marie-Tooth Hereditary Neuropathy. Identifiers: Orphanet 166, MedGen C0007959, MONDO:0015626.
Charcot-Marie-Tooth disease type 4. Also called: Charcot-Marie-Tooth, Type 4; Charcot-Marie-Tooth disease, type IV. Identifiers: Orphanet 64749, MedGen C4082197, MONDO:0018995.
Charcot-Marie-Tooth disease type 4D. Also called: CHARCOT-MARIE-TOOTH DISEASE, DEMYELINATING, AUTOSOMAL RECESSIVE, TYPE 4D; NEUROPATHY, HEREDITARY MOTOR AND SENSORY, LOM TYPE; Charcot-Marie-Tooth Neuropathy Type 4D; CHARCOT-MARIE-TOOTH DISEASE, DEMYELINATING, TYPE 4D. Identifiers: Orphanet 99950, MedGen C1832334, MONDO:0011085, OMIM 601455.

Allele frequency attached by ClinVar (database versions not stated): gnomAD 0.01186 and 0.01251; TOPMed 0.01318; 1000 Genomes Project 0.01358; ESP Exome Variant Server 0.01438; 1000 Genomes Project 30x 0.01515.
gnomAD v4.1: 3,564 of 1,613,614 alleles (0.22%); highest among the groups gnomAD compares: African/African-American, 4.1%; 71 homozygotes.

Submissions (9):

Labcorp Genetics (formerly Invitae), Labcorp
Classification: Benign for Charcot-Marie-Tooth disease type 4. Last evaluated: 2026-02-01. Review status: criteria provided, single submitter. Criteria: Invitae Variant Classification Sherloc (09022015). Collection method: clinical testing. Allele origin: germline.

Athena Diagnostics
Classification: Benign. Last evaluated: 2025-06-04. Review status: criteria provided, single submitter. Criteria: Athena Diagnostics Criteria. Collection method: clinical testing. Allele origin: unknown.
Comment: The frequency of this variant in the general population is higher than would generally be expected for pathogenic variants in this gene. Computational tools yielded predictions that this variant is unlikely to have an effect on normal RNA splicing. This nucleotide position exhibits low evolutionary conservation.

ARUP Laboratories, Molecular Genetics and Genomics, ARUP Laboratories
Classification: Benign for Charcot-Marie-Tooth disease type 4D. Last evaluated: 2023-10-16. Review status: criteria provided, single submitter. Criteria: ARUP Molecular Germline Variant Investigation Process 2024. Collection method: clinical testing. Allele origin: germline.

Illumina Laboratory Services, Illumina
Classification: Likely benign for Charcot-Marie-Tooth disease type 4D. Last evaluated: 2017-04-27. Review status: criteria provided, single submitter. Criteria: ICSL Variant Classification Criteria 13 December 2019. Collection method: clinical testing. Allele origin: germline.
Comment: This variant was observed as part of a predisposition screen in an ostensibly healthy population. A literature search was performed for the gene, cDNA change, and amino acid change (where applicable). Publications were found based on this search. The evidence from the literature, in combination with allele frequency data from public databases where available, was sufficient to determine this variant is unlikely to cause disease. Therefore, this variant is classified as likely benign.

Mayo Clinic Laboratories, Mayo Clinic
Classification: Benign. Last evaluated: 2016-05-27. Review status: criteria provided, single submitter. Criteria: ACMG Guidelines, 2015. Collection method: clinical testing. Allele origin: germline. Observed: 9 variant alleles.

GeneDx
Classification: Benign. Last evaluated: 2015-03-03. Review status: criteria provided, single submitter. Criteria: GeneDx Variant Classification Process June 2021. Collection method: clinical testing. Allele origin: germline. Affected: yes.

Breakthrough Genomics
Classification: Likely benign. Review status: criteria provided, single submitter. Criteria: ACMG Guidelines, 2015. Collection method: not provided. Allele origin: germline. Inheritance: Autosomal recessive inheritance. Affected: yes.

Molecular Genetics Laboratory, London Health Sciences Centre
Classification: Benign for Charcot-Marie-Tooth disease. Review status: criteria provided, single submitter. Criteria: ACMG Guidelines, 2015. Collection method: clinical testing. Allele origin: germline. Affected: yes.

Natera, Inc.
Classification: Benign for Charcot-Marie-Tooth disease type 4. Last evaluated: 2020-09-16. Review status: no assertion criteria provided. Collection method: clinical testing. Allele origin: germline. Not counted in ClinVar's aggregate classification.

Literature cited by the submitters: PubMed 12872253 (cited by Athena Diagnostics and Illumina Laboratory Services, Illumina).